The following is an entry in ClinVar:

ClinVar aggregate classification (germline): Pathogenic (1 of 4 stars; one submission).

Conditions:
Bardet-Biedl syndrome (BBS). Identifiers: Orphanet 110, MedGen C0752166, MONDO:0015229.

Submission:

Labcorp Genetics (formerly Invitae), Labcorp
Classification: Pathogenic for Bardet-Biedl syndrome. Last evaluated: 2023-09-30. Review status: criteria provided, single submitter. Criteria: Invitae Variant Classification Sherloc (09022015). Collection method: clinical testing. Allele origin: germline.
Comment: This sequence change creates a premature translational stop signal (p.Trp9*) in the BBS9 gene. It is expected to result in an absent or disrupted protein product. Loss-of-function variants in BBS9 are known to be pathogenic (PMID: 16380913, 20177705). This variant is not present in population databases (gnomAD no frequency). This variant has not been reported in the literature in individuals affected with BBS9-related conditions. For these reasons, this variant has been classified as Pathogenic.

Literature cited by the submitters: PubMed 16380913; PubMed 20177705.

NM_198428.3(BBS9):c.27G>A (p.Trp9Ter)

Gene: BBS9 (Bardet-Biedl syndrome 9; plus strand). Cytogenetic location: 7p14.3.
Variant type: single nucleotide variant.
Coding change: c.27G>A on transcript NM_198428.3 (MANE Select); coding-DNA position 27, G replaced by A.
Protein change: p.Trp9Ter; replaces tryptophan 9 with a stop codon.
Molecular consequence: nonsense. On other transcripts: non-coding transcript variant (3), intron variant (4), 5 prime UTR variant (3).
Genome position (GRCh38, 1-based): chr7:33,146,279, G>A. VCF-style: chr7-33146279-G-A. GRCh37 (hg19) VCF-style: chr7-33185891-G-A.
Other names: c.-23-6422G>A (NM_001348042.3); c.-189-6422G>A (NM_001348045.3); c.-39+16238G>A (NM_001348046.3, NM_001348044.3); c.27G>A, p.Trp9Ter (NM_001033604.2, NM_001033605.2, NM_001348036.1 and 7 more transcripts); c.-275G>A (NM_001348037.3); c.-251G>A (NM_001348038.3, NM_001348039.3); short protein forms W9*.
Identifiers: ClinVar variation 2919928 (VCV002919928.3), dbSNP rs770310531, ClinGen allele CA367189191.